The following is an entry in ClinVar:

NM_030930.4(UNC93B1):c.1364-2A>G

Gene: UNC93B1 (unc-93B1 regulator of TLR signaling; minus strand). Cytogenetic location: 11q13.2.
Variant type: single nucleotide variant.
Coding change: c.1364-2A>G on transcript NM_030930.4 (MANE Select); the canonical splice acceptor site of the intron before coding-DNA position 1364, A replaced by G.
Molecular consequence: splice acceptor variant.
Genome position (GRCh38, 1-based): chr11:67,993,796, T>C on the plus strand (A>G on the coding strand, the complement: UNC93B1 is on the minus strand). VCF-style: chr11-67993796-T-C. GRCh37 (hg19) VCF-style: chr11-67761267-T-C.
Identifiers: ClinVar variation 3685903 (VCV003685903.2).

ClinVar aggregate classification (germline): Likely pathogenic (1 of 4 stars; one submission).

Conditions:
Encephalopathy, acute, infection-induced (herpes-specific), susceptibility to, 1. Also called: Herpes simplex encephalitis, susceptibility to, 1. Identifiers: Orphanet 1930, MedGen C2750180, MONDO:0024563, OMIM 610551.

Submission:

Labcorp Genetics (formerly Invitae), Labcorp
Classification: Likely pathogenic for Encephalopathy, acute, infection-induced (herpes-specific), susceptibility to, 1. Last evaluated: 2024-02-19. Review status: criteria provided, single submitter. Criteria: Invitae Variant Classification Sherloc (09022015). Collection method: clinical testing. Allele origin: germline.
Comment: This sequence change affects an acceptor splice site in intron 9 of the UNC93B1 gene. It is expected to disrupt RNA splicing. Variants that disrupt the donor or acceptor splice site typically lead to a loss of protein function (PMID: 16199547), and loss-of-function variants in UNC93B1 are known to be pathogenic (PMID: 16973841). This variant is not present in population databases (gnomAD no frequency). This variant has not been reported in the literature in individuals affected with UNC93B1-related conditions. Algorithms developed to predict the effect of sequence changes on RNA splicing suggest that this variant may disrupt the consensus splice site. In summary, the currently available evidence indicates that the variant is pathogenic, but additional data are needed to prove that conclusively. Therefore, this variant has been classified as Likely Pathogenic.

Literature cited by the submitters: PubMed 16199547; PubMed 16973841.